The following is an entry in ClinVar:

NM_000060.4:c.643C>T

Variant type: single nucleotide variant.
Other names: c.643C>T (NM_000060.4).
Identifiers: ClinVar variation 4532849 (VCV004532849.1).

ClinVar aggregate classification (germline): Pathogenic (1 of 4 stars; one submission).

Submission:

Quest Diagnostics Nichols Institute San Juan Capistrano
Classification: Pathogenic. Last evaluated: 2025-10-30. Review status: criteria provided, single submitter. Criteria: Quest Diagnostics criteria. Collection method: clinical testing. Allele origin: unknown.
Comment: The BTD c.643C>T (p.Leu215Phe) variant has been reported in the published literature in multiple individuals with partial or profound biotinidase deficiency (PMIDs: 9396567 (1997), 9506660 (1998), 17185019 (2007), 25174816 (2014), 26361991 (2015), and 27207447 (2017)). The frequency of this variant in the general population (Genome Aggregation Database) is uninformative in the assessment of its pathogenicity. Analysis of this variant using bioinformatics tools for the prediction of the effect of amino acid changes on protein structure and function yielded predictions that this variant is damaging. Based on the available information, this variant is classified as pathogenic .

Literature cited by the submitters: PubMed 25174816; PubMed 17185019; PubMed 9506660; PubMed 9396567; PubMed 26361991; PubMed 27207447.